The following is an entry in ClinVar:

NM_021614.4(KCNN2):c.2306G>A (p.Arg769Gln)

Genes: KCNN2 (potassium calcium-activated channel subfamily N member 2; plus strand), LOC101927078 (uncharacterized LOC101927078; minus strand). Cytogenetic location: 5q22.3.
Variant type: single nucleotide variant.
Coding change: c.2306G>A on transcript NM_021614.4 (MANE Select); coding-DNA position 2306, G replaced by A.
Protein change: p.Arg769Gln; replaces arginine 769 with glutamine.
Molecular consequence: missense variant. On other transcripts: non-coding transcript variant (3).
Genome position (GRCh38, 1-based): chr5:114,496,112, G>A. VCF-style: chr5-114496112-G-A. GRCh37 (hg19) VCF-style: chr5-113831809-G-A.
Other names: c.2504G>A, p.Arg835Gln (NM_001372233.1); c.626G>A, p.Arg209Gln (NM_170775.3); short protein forms R209Q, R769Q, R835Q.
Identifiers: ClinVar variation 3731525 (VCV003731525.1).

ClinVar aggregate classification (germline): Uncertain significance (1 of 4 stars; one submission).

Conditions:
Neurodevelopmental disorder with or without variable movement or behavioral abnormalities (NEDMAB). Identifiers: MedGen C5676908, MONDO:0859225, OMIM 619725.

gnomAD v4.1: 27 of 1,613,856 alleles (0.0017%); highest among the groups gnomAD compares: South Asian, 0.013%; no homozygotes.

Submission:

Neuberg Centre For Genomic Medicine, NCGM
Classification: Uncertain significance for Neurodevelopmental disorder with or without variable movement or behavioral abnormalities. Last evaluated: 2023-06-22. Review status: criteria provided, single submitter. Criteria: ACMG Guidelines, 2015. Collection method: clinical testing. Allele origin: germline. Inheritance: Autosomal dominant inheritance. Affected: yes.
Comment: The observed missense c.2306G>A(p.Arg769Gln) variant in KCNN2 gene has not been reported previously as a pathogenic variant nor as a benign variant, to our knowledge. This variant is reported with the allele frequency of 0.002% in the gnomAD Exomes. The amino acid Arg at position 769 is changed to a Gln changing protein sequence and it might alter its composition and physico-chemical properties. The amino acid change p.Arg769Gln in KCNN2 is predicted as conserved by GERP++ and PhyloP across 100 vertebrates. Computational evidence (Polyphen - Damaging, SIFT - Tolerated, and MutationTaster - Disease causing) predicts conflicting evidence on protein structure and function for this variant. For these reasons, this variant has been classified as Uncertain Significance.